The following is an entry in ClinVar:

ClinVar aggregate classification (germline): Likely benign (1 of 4 stars; one submission).

Conditions:
Familial thoracic aortic aneurysm and aortic dissection (TAAD). Also called: Thoracic aortic aneurysms and dissections. Identifiers: Orphanet 91387, MedGen C4707243, MONDO:0019625.

gnomAD v4.1: 1 of 1,614,114 alleles (0.000062%); highest among the groups gnomAD compares: Non-Finnish European, 0.000085%; no homozygotes.

Submission:

All of Us Research Program, National Institutes of Health
Classification: Likely benign for Familial thoracic aortic aneurysm and aortic dissection. Last evaluated: 2023-11-20. Review status: criteria provided, single submitter. Criteria: ACMG Guidelines, 2015. Collection method: clinical testing. Allele origin: germline. Inheritance: Autosomal dominant inheritance. Observed: 1 variant allele, 1 heterozygote.
Comment: This study involves interpretation of variants in research participants for the purpose of population health screening. Participant phenotype was not available at the time of variant classification. Additional details can be found in publication PMID: 35346344, PMCID: PMC8962531

NM_002474.3(MYH11):c.2385G>C (p.Ala795=)

Gene: MYH11 (myosin heavy chain 11; minus strand). Cytogenetic location: 16p13.11.
Variant type: single nucleotide variant.
Coding change: c.2385G>C on transcript NM_002474.3 (MANE Select); coding-DNA position 2385, G replaced by C.
Protein change: p.Ala795=; no amino-acid change (alanine 795 retained).
Molecular consequence: synonymous variant.
Genome position (GRCh38, 1-based): chr16:15,747,596, C>G on the plus strand (G>C on the coding strand, the complement: MYH11 is on the minus strand). VCF-style: chr16-15747596-C-G. GRCh37 (hg19) VCF-style: chr16-15841453-C-G.
Other names: c.2385G>C, p.Ala795= (NM_022844.3); c.2406G>C, p.Ala802= (NM_001040114.2, NM_001040113.2).
Identifiers: ClinVar variation 3074709 (VCV003074709.1), dbSNP rs772248675, ClinGen allele CA493792060.